The following is an entry in ClinVar:

ClinVar aggregate classification (germline): Likely benign. Review status: criteria provided, multiple submitters, no conflicts (2 of 4 stars). 5 submissions from 5 submitters: Likely benign (5). Last evaluated 2025-08-01.

Conditions:
Early-infantile DEE. Also called: Ohtahara syndrome; Early infantile epileptic encephalopathy with suppression bursts; Early infantile epileptic encephalopathy. Identifiers: Orphanet 1934, MedGen C0393706, MONDO:0800491.
Inborn genetic diseases. Identifiers: MedGen C0950123, MeSH D030342.

Allele frequency attached by ClinVar (database versions not stated): ExAC 0.00007; gnomAD exomes 0.00010 and 0.00015; gnomAD 0.00031 and 0.00032; TOPMed 0.00032.
gnomAD v4.1: 194 of 1,613,966 alleles (0.012%); highest among the groups gnomAD compares: Admixed American, 0.11%; 1 homozygote.

Submissions (5):

CeGaT Center for Human Genetics Tuebingen
Classification: Likely benign. Last evaluated: 2025-08-01. Review status: criteria provided, single submitter. Criteria: CeGaT Center For Human Genetics Tuebingen Variant Classification Criteria Version 2. Collection method: clinical testing. Allele origin: germline. Affected: yes. Observed: 2 variant alleles.
Comment: SPTAN1: BP4, BP7

Labcorp Genetics (formerly Invitae), Labcorp
Classification: Likely benign for Early-infantile DEE. Last evaluated: 2025-05-19. Review status: criteria provided, single submitter. Criteria: Invitae Variant Classification Sherloc (09022015). Collection method: clinical testing. Allele origin: germline.

Blueprint Genetics
Classification: Likely benign. Last evaluated: 2024-09-03. Review status: criteria provided, single submitter. Criteria: ACMG Guidelines, 2015. Collection method: clinical testing. Allele origin: germline.

Ambry Genetics
Classification: Likely benign for Inborn genetic diseases. Last evaluated: 2019-02-20. Review status: criteria provided, single submitter. Criteria: Ambry Variant Classification Scheme 2023. Collection method: clinical testing. Allele origin: germline.

GeneDx
Classification: Likely benign. Last evaluated: 2018-07-25. Review status: criteria provided, single submitter. Criteria: GeneDx Variant Classification Process June 2021. Collection method: clinical testing. Allele origin: germline. Affected: yes.

NM_001130438.3(SPTAN1):c.480C>T (p.Asp160=)

Gene: SPTAN1 (spectrin alpha, non-erythrocytic 1; plus strand). Cytogenetic location: 9q34.11.
Variant type: single nucleotide variant.
Coding change: c.480C>T on transcript NM_001130438.3 (MANE Select); coding-DNA position 480, C replaced by T.
Protein change: p.Asp160=; no amino-acid change (aspartic acid 160 retained).
Molecular consequence: synonymous variant.
Genome position (GRCh38, 1-based): chr9:128,574,791, C>T. VCF-style: chr9-128574791-C-T. GRCh37 (hg19) VCF-style: chr9-131337070-C-T.
Other names: c.480C>T, p.Asp160= (NM_001195532.2, NM_001363759.2, NM_001363765.2 and 1 more transcripts).
Identifiers: ClinVar variation 378647 (VCV000378647.55), dbSNP rs201249013, ClinGen allele CA5264174.
Genomic context (GRCh38, chr9:128,574,791, plus strand): 5'-AAAAGGAATCAAACTGCTGCAGGCCCAGAAGTTGGTGCAGTACTTACGAGAATGTGAGGA[C>T]GTGATGGACTGGATCAATGACAAGGCACGTTTTGGGAAGAAGGGTTTGCTAAGCTTTACT-3'
Protein context (NP_001123910.1, residues 150-170): KLVQYLRECE[Asp160=]VMDWINDKEA